The following is an entry in ClinVar:

ClinVar aggregate classification (germline): Uncertain significance (1 of 4 stars; one submission).

Conditions:
Pityriasis rubra pilaris (PRP). Also called: Pityriasis rubra pilaris--familial type. Identifiers: Orphanet 2897, MedGen C0032027, MONDO:0100017, OMIM 173200, MONDO:0008251.
Psoriasis 2. Identifiers: MedGen C1864497, MONDO:0011269, OMIM 602723.

Allele frequency attached by ClinVar (database versions not stated): ExAC 0.00001; gnomAD 0.00001; gnomAD exomes 0.00001 and 0.00002; TOPMed 0.00001; 1000 Genomes Project 30x 0.00016.
gnomAD v4.1: 17 of 1,612,914 alleles (0.0011%); highest among the groups gnomAD compares: South Asian, 0.019%; no homozygotes.

Submission:

Labcorp Genetics (formerly Invitae), Labcorp
Classification: Uncertain significance for Pityriasis rubra pilaris; Psoriasis 2. Last evaluated: 2025-09-25. Review status: criteria provided, single submitter. Criteria: Invitae Variant Classification Sherloc (09022015). Collection method: clinical testing. Allele origin: germline.
Comment: This sequence change replaces histidine, which is basic and polar, with tyrosine, which is neutral and polar, at codon 732 of the CARD14 protein (p.His732Tyr). This variant is present in population databases (rs560027976, gnomAD 0.01%). This variant has not been reported in the literature in individuals affected with CARD14-related conditions. ClinVar contains an entry for this variant (Variation ID: 1385138). Invitae Evidence Modeling of protein sequence and biophysical properties (such as structural, functional, and spatial information, amino acid conservation, physicochemical variation, residue mobility, and thermodynamic stability) indicates that this missense variant is not expected to disrupt CARD14 protein function with a negative predictive value of 95%. In summary, the available evidence is currently insufficient to determine the role of this variant in disease. Therefore, it has been classified as a Variant of Uncertain Significance.

NM_001366385.1(CARD14):c.2194C>T (p.His732Tyr)

Genes: CARD14 (caspase recruitment domain family member 14; plus strand), SGSH (N-sulfoglucosamine sulfohydrolase; minus strand). Cytogenetic location: 17q25.3.
Variant type: single nucleotide variant.
Coding change: c.2194C>T on transcript NM_001366385.1 (MANE Select); coding-DNA position 2194, C replaced by T.
Protein change: p.His732Tyr; replaces histidine 732 with tyrosine.
Molecular consequence: missense variant. On other transcripts: non-coding transcript variant (1).
Genome position (GRCh38, 1-based): chr17:80,202,395, C>T. VCF-style: chr17-80202395-C-T. GRCh37 (hg19) VCF-style: chr17-78176194-C-T.
Other names: c.2194C>T, p.His732Tyr (NM_001257970.1, NM_024110.4); short protein forms H732Y.
Identifiers: ClinVar variation 1385138 (VCV001385138.8), dbSNP rs560027976, ClinGen allele CA8817205.